The following is an entry in ClinVar:

NM_001035.3(RYR2):c.7025G>A (p.Gly2342Glu)

Gene: RYR2 (ryanodine receptor 2; plus strand). Cytogenetic location: 1q43.
Variant type: single nucleotide variant.
Coding change: c.7025G>A on transcript NM_001035.3 (MANE Select); coding-DNA position 7025, G replaced by A.
Protein change: p.Gly2342Glu; replaces glycine 2342 with glutamic acid.
Molecular consequence: missense variant.
Genome position (GRCh38, 1-based): chr1:237,639,111, G>A. VCF-style: chr1-237639111-G-A. GRCh37 (hg19) VCF-style: chr1-237802411-G-A.
Other names: p.G2342E:GGG>GAG; c.7025G>A, p.Gly2342Glu (LRG_402t1); short protein forms G2342E.
Identifiers: ClinVar variation 201273 (VCV000201273.3), dbSNP rs794728751, ClinGen allele CA010479.

ClinVar aggregate classification (germline): Uncertain significance (1 of 4 stars; one submission).

Submission:

GeneDx
Classification: Uncertain significance. Last evaluated: 2020-10-26. Review status: criteria provided, single submitter. Criteria: GeneDx Variant Classification Process June 2021. Collection method: clinical testing. Allele origin: germline. Affected: yes.
Comment: Has not been previously published as pathogenic or benign to our knowledge; Not observed in large population cohorts (Lek et al., 2016); Located in one of the three hot-spot regions of the RYR2 gene, where the majority of pathogenic missense variants occur (Medeiros-Domingo et al., 2009); In silico analysis, which includes protein predictors and evolutionary conservation, supports a deleterious effect